The following is an entry in ClinVar:

NM_025215.6(PUS1):c.487del (p.Ile163fs)

Gene: PUS1 (pseudouridine synthase 1; plus strand). Cytogenetic location: 12q24.33.
Variant type: Deletion.
Coding change: c.487del on transcript NM_025215.6 (MANE Select); coding-DNA position 487, one base deleted (A; older notation c.487delA).
Protein change: p.Ile163fs; shifts the reading frame from isoleucine 163.
Molecular consequence: frameshift variant.
Genome position (GRCh38, 1-based): chr12:131,939,218, A deleted. VCF-style (leftmost placement, unchanged base first): chr12-131939217-GA-G. GRCh37 (hg19) VCF-style: chr12-132423762-GA-G.
Other names: c.403del, p.Ile135fs (NM_001002019.3, NM_001002020.3); short protein forms I135fs, I163fs.
Identifiers: ClinVar variation 5012828 (VCV005012828.1).

ClinVar aggregate classification (germline): Pathogenic (1 of 4 stars; one submission).

Conditions:
Myopathy, lactic acidosis, and sideroblastic anemia 1 (MLASA1). Identifiers: Orphanet 2598, MedGen C4551958, MONDO:0024553, OMIM 600462.

Submission:

Myriad Genetics, Inc.
Classification: Pathogenic for Myopathy, lactic acidosis, and sideroblastic anemia 1. Last evaluated: 2024-05-14. Review status: criteria provided, single submitter. Criteria: Myriad Autosomal Dominant, Autosomal Recessive and X-Linked Classification Criteria (2023). Collection method: clinical testing. Allele origin: unknown.
Comment: NM_025215.5(PUS1):c.487delA(I163Lfs*5) is expected to be pathogenic in the context of myopathy, lactic acidosis, and sideroblastic anemia 1. This variant is predicted to lead to an abnormal or absent protein product due to the creation of a premature termination codon in PUS1, a gene where loss-of-function variants are known to be pathogenic. Please note: this variant was assessed in the context of healthy population screening.